The following is an entry in ClinVar:

NM_001394062.1(MACF1):c.18340A>G (p.Met6114Val)

Gene: MACF1 (microtubule actin crosslinking factor 1; plus strand). Cytogenetic location: 1p34.3.
Variant type: single nucleotide variant.
Coding change: c.18340A>G on transcript NM_001394062.1 (MANE Select); coding-DNA position 18340, A replaced by G.
Protein change: p.Met6114Val; replaces methionine 6114 with valine.
Molecular consequence: missense variant.
Genome position (GRCh38, 1-based): chr1:39,439,393, A>G. VCF-style: chr1-39439393-A-G. GRCh37 (hg19) VCF-style: chr1-39905065-A-G.
Other names: c.6418A>G, p.Met2140Val (NM_001397473.1); c.12163A>G, p.Met4055Val (NM_012090.5); short protein forms M2140V, M4055V, M6114V.
Identifiers: ClinVar variation 2632269 (VCV002632269.2), dbSNP rs2523145641, ClinGen allele CA339809176.

ClinVar aggregate classification (germline): Uncertain significance (0 of 4 stars; one submission).

Conditions:
MACF1-related disorder. Also called: MACF1-related condition.

Allele frequency attached by ClinVar (database versions not stated): gnomAD exomes below 0.00001.
gnomAD v4.1: 4 of 1,614,184 alleles (0.00025%); highest among the groups gnomAD compares: Non-Finnish European, 0.00034%; no homozygotes.

Submission:

PreventionGenetics, part of Exact Sciences
Classification: Uncertain significance for MACF1-related condition. Last evaluated: 2024-08-23. Review status: no assertion criteria provided. Collection method: clinical testing. Allele origin: germline.
Comment: The MACF1 c.12163A>G variant is predicted to result in the amino acid substitution p.Met4055Val. To our knowledge, this variant has not been reported in the literature or in a large population database, indicating this variant is rare. At this time, the clinical significance of this variant is uncertain due to the absence of conclusive functional and genetic evidence.